The following is an entry in ClinVar:

ClinVar aggregate classification (germline): Uncertain significance (1 of 4 stars; one submission).

Submission:

GeneDx
Classification: Uncertain significance. Last evaluated: 2024-07-16. Review status: criteria provided, single submitter. Criteria: GeneDx Variant Classification Process June 2021. Collection method: clinical testing. Allele origin: germline.
Comment: Has not been previously published as pathogenic or benign to our knowledge; Not observed at significant frequency in large population cohorts (gnomAD); In silico analysis indicates that this missense variant does not alter protein structure/function

NM_001378477.3(NYX):c.823C>A (p.Leu275Ile)

Gene: NYX (nyctalopin; plus strand). Cytogenetic location: Xp11.4.
Variant type: single nucleotide variant.
Coding change: c.823C>A on transcript NM_001378477.3 (MANE Select); coding-DNA position 823, C replaced by A.
Protein change: p.Leu275Ile; replaces leucine 275 with isoleucine.
Molecular consequence: missense variant.
Genome position (GRCh38, 1-based): chrX:41,474,291, C>A. VCF-style: chrX-41474291-C-A. GRCh37 (hg19) VCF-style: chrX-41333544-C-A.
Other names: c.823C>A, p.Leu275Ile (NM_022567.3); short protein forms L275I.
Identifiers: ClinVar variation 1699564 (VCV001699564.3), dbSNP rs2147026093, ClinGen allele CA412991330.